The following is an entry in ClinVar:

ClinVar aggregate classification (germline): Pathogenic (1 of 4 stars; one submission).

Allele frequency attached by ClinVar (database versions not stated): gnomAD 0.00001; TOPMed 0.00001.
gnomAD v4.1: 1 of 1,613,768 alleles (0.000062%); highest among the groups gnomAD compares: African/African-American, 0.0013%; no homozygotes.

Submission:

Labcorp Genetics (formerly Invitae), Labcorp
Classification: Pathogenic. Last evaluated: 2023-08-06. Review status: criteria provided, single submitter. Criteria: Invitae Variant Classification Sherloc (09022015). Collection method: clinical testing. Allele origin: germline.
Comment: For these reasons, this variant has been classified as Pathogenic. This variant has not been reported in the literature in individuals affected with FRAS1-related conditions. This variant is not present in population databases (gnomAD no frequency). This sequence change creates a premature translational stop signal (p.Gln1412*) in the FRAS1 gene. It is expected to result in an absent or disrupted protein product. Loss-of-function variants in FRAS1 are known to be pathogenic (PMID: 12766769, 18671281).

Literature cited by the submitters: PubMed 12766769; PubMed 18671281.

NM_025074.7(FRAS1):c.4234C>T (p.Gln1412Ter)

Gene: FRAS1 (Fraser extracellular matrix complex subunit 1; plus strand). Cytogenetic location: 4q21.21.
Variant type: single nucleotide variant.
Coding change: c.4234C>T on transcript NM_025074.7 (MANE Select); coding-DNA position 4234, C replaced by T.
Protein change: p.Gln1412Ter; replaces glutamine 1412 with a stop codon.
Molecular consequence: nonsense.
Genome position (GRCh38, 1-based): chr4:78,407,767, C>T. VCF-style: chr4-78407767-C-T. GRCh37 (hg19) VCF-style: chr4-79328921-C-T.
Other names: c.4234C>T, p.Gln1412Ter (NM_001166133.2); short protein forms Q1412*.
Identifiers: ClinVar variation 2992376 (VCV002992376.2), dbSNP rs1179931234, ClinGen allele CA357378225.